The following is an entry in ClinVar:

ClinVar aggregate classification (germline): Uncertain significance. Review status: criteria provided, multiple submitters, no conflicts (2 of 4 stars). 4 submissions from 4 submitters: Uncertain significance (4). Last evaluated 2026-01-25.

Conditions:
Inborn genetic diseases. Identifiers: MedGen C0950123, MeSH D030342.
Surfactant metabolism dysfunction, pulmonary, 5 (SMDP5). Also called: PULMONARY ALVEOLAR PROTEINOSIS 5; PAP DUE TO CSF2RB DEFICIENCY; CSF2RB DEFICIENCY. Identifiers: Orphanet 264675, MedGen C3280574, MONDO:0013712, OMIM 614370.

Allele frequency attached by ClinVar (database versions not stated): TOPMed 0.00084; gnomAD exomes 0.00138 and 0.00086; gnomAD 0.00102 and 0.00110; ESP Exome Variant Server 0.00169; 1000 Genomes Project 30x 0.00016; 1000 Genomes Project 0.00020; ExAC 0.00075.

Submissions (4):

Labcorp Genetics (formerly Invitae), Labcorp
Classification: Uncertain significance. Last evaluated: 2026-01-25. Review status: criteria provided, single submitter. Criteria: Invitae Variant Classification Sherloc (09022015). Collection method: clinical testing. Allele origin: germline.
Comment: This sequence change replaces threonine, which is neutral and polar, with isoleucine, which is neutral and non-polar, at codon 50 of the CSF2RB protein (p.Thr50Ile). This variant is present in population databases (rs149609232, gnomAD 0.2%), and has an allele count higher than expected for a pathogenic variant. This variant has not been reported in the literature in individuals affected with CSF2RB-related conditions. ClinVar contains an entry for this variant (Variation ID: 1435738). Invitae Evidence Modeling of protein sequence and biophysical properties (such as structural, functional, and spatial information, amino acid conservation, physicochemical variation, residue mobility, and thermodynamic stability) indicates that this missense variant is not expected to disrupt CSF2RB protein function with a negative predictive value of 80%. In summary, the available evidence is currently insufficient to determine the role of this variant in disease. Therefore, it has been classified as a Variant of Uncertain Significance.

GeneDx
Classification: Uncertain significance. Last evaluated: 2026-01-22. Review status: criteria provided, single submitter. Criteria: GeneDx Variant Classification Process June 2021. Collection method: clinical testing. Allele origin: germline.
Comment: In silico analysis supports that this missense variant has a deleterious effect on protein structure/function; Has not been previously published as pathogenic or benign to our knowledge

Clinical Genomics Laboratory, Washington University in St. Louis
Classification: Uncertain significance for Surfactant metabolism dysfunction, pulmonary, 5. Last evaluated: 2024-06-07. Review status: criteria provided, single submitter. Criteria: ACMG Guidelines, 2015. Collection method: clinical testing. Allele origin: germline.
Comment: The CSF2RB c.149C>T (p.Thr50Ile) variant, to our knowledge, has not been reported in the medical literature. This variant has been reported in the ClinVar database as a variant of uncertain significance by two of submitters. The highest population minor allele frequency in the population database genome aggregation database (v.2.1.1) is 0.1951% in the European-Finnish population. Computational predictors suggest that the variant does not impact CSF2RB function. Due to limited information, and based on ACMG/AMP guidelines for variant interpretation (Richards S et al., PMID: 25741868), the clinical significance of this variant is uncertain at this time.

Ambry Genetics
Classification: Uncertain significance for Inborn genetic diseases. Last evaluated: 2022-11-07. Review status: criteria provided, single submitter. Criteria: Ambry Variant Classification Scheme 2023. Collection method: clinical testing. Allele origin: germline.

NM_000395.3(CSF2RB):c.149C>T (p.Thr50Ile)

Gene: CSF2RB (colony stimulating factor 2 receptor subunit beta; plus strand). Cytogenetic location: 22q12.3.
Variant type: single nucleotide variant.
Coding change: c.149C>T on transcript NM_000395.3 (MANE Select); coding-DNA position 149, C replaced by T.
Protein change: p.Thr50Ile; replaces threonine 50 with isoleucine.
Molecular consequence: missense variant.
Genome position (GRCh38, 1-based): chr22:36,923,316, C>T. VCF-style: chr22-36923316-C-T. GRCh37 (hg19) VCF-style: chr22-37319358-C-T.
Other names: c.149C>T (NM_000395.2); short protein forms T50I.
Identifiers: ClinVar variation 1435738 (VCV001435738.10), dbSNP rs149609232, ClinGen allele CA10213369.